The following is an entry in ClinVar:

ClinVar aggregate classification (germline): Conflicting classifications of pathogenicity. Review status: criteria provided, conflicting classifications (1 of 4 stars). 2 submissions from 2 submitters: Likely pathogenic (1); Uncertain significance (1). Last evaluated 2023-03-13.

Conditions:
PURA-related severe neonatal hypotonia-seizures-encephalopathy syndrome (NEDRIHF). Also called: PURA-Related Neurodevelopmental Disorders; NEURODEVELOPMENTAL DISORDER WITH NEONATAL RESPIRATORY INSUFFICIENCY, HYPOTONIA, AND FEEDING DIFFICULTIES. Identifiers: Orphanet 438213, Orphanet 438216, MedGen C4015357, MONDO:1060108, OMIM 616158, MONDO:0018580.

Submissions (2):

GeneDx
Classification: Uncertain significance. Last evaluated: 2023-03-13. Review status: criteria provided, single submitter. Criteria: GeneDx Variant Classification Process June 2021. Collection method: clinical testing. Allele origin: germline. Affected: yes.
Comment: Not observed at significant frequency in large population cohorts (gnomAD); In silico analysis supports that this missense variant does not alter protein structure/function; Has not been previously published as pathogenic or benign to our knowledge

Department of Clinical Genetics, Copenhagen University Hospital, Rigshospitalet
Classification: Likely pathogenic for PURA-related severe neonatal hypotonia-seizures-encephalopathy syndrome. Last evaluated: 2021-08-01. Review status: criteria provided, single submitter. Criteria: ACMG Guidelines, 2015. Collection method: clinical testing. Allele origin: de novo. Affected: yes.

NM_005859.5(PURA):c.469A>G (p.Met157Val)

Gene: PURA (purine rich element binding protein A; plus strand). Cytogenetic location: 5q31.3.
Variant type: single nucleotide variant.
Coding change: c.469A>G on transcript NM_005859.5 (MANE Select); coding-DNA position 469, A replaced by G.
Protein change: p.Met157Val; replaces methionine 157 with valine.
Molecular consequence: missense variant.
Genome position (GRCh38, 1-based): chr5:140,114,650, A>G. VCF-style: chr5-140114650-A-G. GRCh37 (hg19) VCF-style: chr5-139494235-A-G.
Other names: short protein forms M157V.
Identifiers: ClinVar variation 1679405 (VCV001679405.4), dbSNP rs2126749113, ClinGen allele CA361490840.